The following is an entry in ClinVar:

NM_001009944.3(PKD1):c.8360G>C (p.Arg2787Pro)

Gene: PKD1 (polycystin 1, transient receptor potential channel interacting; minus strand). Cytogenetic location: 16p13.3.
Variant type: single nucleotide variant.
Coding change: c.8360G>C on transcript NM_001009944.3 (MANE Select); coding-DNA position 8360, G replaced by C.
Protein change: p.Arg2787Pro; replaces arginine 2787 with proline.
Molecular consequence: missense variant.
Genome position (GRCh38, 1-based): chr16:2,103,697, C>G on the plus strand (G>C on the coding strand, the complement: PKD1 is on the minus strand). VCF-style: chr16-2103697-C-G. GRCh37 (hg19) VCF-style: chr16-2153698-C-G.
Other names: c.8360G>C, p.Arg2787Pro (NM_000296.4); short protein forms R2787P.
Identifiers: ClinVar variation 1710746 (VCV001710746.2), dbSNP rs556480600, ClinGen allele CA394364414.

ClinVar aggregate classification (germline): Uncertain significance (1 of 4 stars; one submission).

Submission:

GeneDx
Classification: Uncertain significance. Last evaluated: 2022-04-11. Review status: criteria provided, single submitter. Criteria: GeneDx Variant Classification Process June 2021. Collection method: clinical testing. Allele origin: germline. Affected: yes.
Comment: Not observed at significant frequency in large population cohorts (gnomAD); In silico analysis supports that this missense variant has a deleterious effect on protein structure/function; Has not been previously published as pathogenic or benign to our knowledge